The following is an entry in ClinVar:

NM_001099271.2(POC5):c.421G>A (p.Ala141Thr)

Gene: POC5 (POC5 centriolar protein; minus strand). Cytogenetic location: 5q13.3.
Variant type: single nucleotide variant.
Coding change: c.421G>A on transcript NM_001099271.2 (MANE Select); coding-DNA position 421, G replaced by A.
Protein change: p.Ala141Thr; replaces alanine 141 with threonine.
Molecular consequence: missense variant.
Genome position (GRCh38, 1-based): chr5:75,702,697, C>T on the plus strand (G>A on the coding strand, the complement: POC5 is on the minus strand). VCF-style: chr5-75702697-C-T. GRCh37 (hg19) VCF-style: chr5-74998522-C-T.
Other names: c.346G>A, p.Ala116Thr (NM_152408.3); short protein forms A116T, A141T.
Identifiers: ClinVar variation 2119648 (VCV002119648.4), dbSNP rs564117652, ClinGen allele CA3310581.

ClinVar aggregate classification (germline): Uncertain significance (1 of 4 stars; one submission).

Allele frequency attached by ClinVar (database versions not stated): gnomAD exomes below 0.00001; ExAC 0.00001; gnomAD 0.00001; 1000 Genomes Project 30x 0.00016; 1000 Genomes Project 0.00020.
gnomAD v4.1: 5 of 1,610,936 alleles (0.00031%); highest among the groups gnomAD compares: African/African-American, 0.0027%; no homozygotes.

Submission:

Labcorp Genetics (formerly Invitae), Labcorp
Classification: Uncertain significance. Last evaluated: 2022-03-29. Review status: criteria provided, single submitter. Criteria: Invitae Variant Classification Sherloc (09022015). Collection method: clinical testing. Allele origin: germline.
Comment: In summary, the available evidence is currently insufficient to determine the role of this variant in disease. Therefore, it has been classified as a Variant of Uncertain Significance. Algorithms developed to predict the effect of missense changes on protein structure and function are either unavailable or do not agree on the potential impact of this missense change (SIFT: "Not Available"; PolyPhen-2: "Benign"; Align-GVGD: "Not Available"). This variant has not been reported in the literature in individuals affected with POC5-related conditions. This variant is present in population databases (rs564117652, gnomAD 0.007%). This sequence change replaces alanine, which is neutral and non-polar, with threonine, which is neutral and polar, at codon 141 of the POC5 protein (p.Ala141Thr).